The following is an entry in ClinVar:

ClinVar aggregate classification (germline): Conflicting classifications of pathogenicity. Review status: criteria provided, conflicting classifications (1 of 4 stars). 5 submissions from 5 submitters: Uncertain significance (2); Benign (1); Likely benign (2). Last evaluated 2025-08-17.

Conditions:
Familial adenomatous polyposis 1 (FAP1). Also called: POLYPOSIS, ADENOMATOUS INTESTINAL; FAMILIAL ADENOMATOUS POLYPOSIS 1, ATTENUATED. Identifiers: MedGen C2713442, MONDO:0021056, OMIM 175100. Disease mechanism: loss of function.
Hereditary cancer-predisposing syndrome. Also called: Hereditary neoplastic syndrome; Neoplastic Syndromes, Hereditary; Tumor predisposition; Hereditary Cancer Syndrome. Identifiers: Orphanet 140162, MedGen C0027672, MeSH D009386, MONDO:0015356.
Classic or attenuated familial adenomatous polyposis. Identifiers: MedGen CN372698, MONDO:0021057.

Submissions (5):

Labcorp Genetics (formerly Invitae), Labcorp
Classification: Uncertain significance for Familial adenomatous polyposis 1. Last evaluated: 2025-08-17. Review status: criteria provided, single submitter. Criteria: Invitae Variant Classification Sherloc (09022015). Collection method: clinical testing. Allele origin: germline.
Comment: This sequence change affects codon 99 of the APC mRNA. It is a 'silent' change, meaning that it does not change the encoded amino acid sequence of the APC protein. This variant is present in population databases (no rsID available, gnomAD 0.006%). This variant has not been reported in the literature in individuals affected with APC-related conditions. ClinVar contains an entry for this variant (Variation ID: 469782). Algorithms developed to predict the effect of sequence changes on RNA splicing suggest that this variant may create or strengthen a splice site. In summary, the available evidence is currently insufficient to determine the role of this variant in disease. Therefore, it has been classified as a Variant of Uncertain Significance.

Ambry Genetics
Classification: Uncertain significance for Hereditary cancer-predisposing syndrome. Last evaluated: 2025-08-05. Review status: criteria provided, single submitter. Criteria: Ambry Variant Classification Scheme 2023. Collection method: clinical testing. Allele origin: germline.
Comment: The c.295C>A variant (also known as p.R99R), located in coding exon 3 of the APC gene, results from a C to A substitution at nucleotide position 295. This nucleotide substitution does not change the amino acid at codon 99. This nucleotide position is well conserved in available vertebrate species. In silico splice site analysis predicts that this alteration may result in the creation or strengthening of a novel splice acceptor site. RNA studies have demonstrated that this alteration results in an incomplete splice defect; the clinical impact of this abnormal splicing is unknown at this time (Ambry internal data). Based on the available evidence, the clinical significance of this alteration remains unclear.

Myriad Genetics, Inc.
Classification: Benign for Familial adenomatous polyposis 1. Last evaluated: 2024-02-22. Review status: criteria provided, single submitter. Criteria: Myriad Autosomal Dominant, Autosomal Recessive and X-Linked Classification Criteria (2023). Collection method: clinical testing. Allele origin: unknown.
Comment: This variant is considered benign. This variant is a silent/synonymous amino acid change and it is not expected to impact splicing.

All of Us Research Program, National Institutes of Health
Classification: Likely benign for Classic or attenuated familial adenomatous polyposis. Last evaluated: 2023-11-20. Review status: criteria provided, single submitter. Criteria: ACMG Guidelines, 2015. Collection method: clinical testing. Allele origin: germline. Inheritance: Autosomal dominant inheritance. Observed: 1 variant allele, 1 heterozygote.
Comment: This study involves interpretation of variants in research participants for the purpose of population health screening. Participant phenotype was not available at the time of variant classification. Additional details can be found in publication PMID: 35346344, PMCID: PMC8962531

Color Diagnostics, LLC DBA Color Health
Classification: Likely benign for Hereditary cancer-predisposing syndrome. Last evaluated: 2022-08-31. Review status: criteria provided, single submitter. Criteria: ACMG Guidelines, 2015. Collection method: clinical testing. Allele origin: germline.

NM_000038.6(APC):c.295C>A (p.Arg99=)

Gene: APC (APC regulator of Wnt signaling pathway; plus strand). Cytogenetic location: 5q22.2.
Variant type: single nucleotide variant.
Coding change: c.295C>A on transcript NM_000038.6 (MANE Select); coding-DNA position 295, C replaced by A.
Protein change: p.Arg99=; no amino-acid change (arginine 99 retained).
Molecular consequence: synonymous variant. On other transcripts: 5 prime UTR variant (1).
Genome position (GRCh38, 1-based): chr5:112,767,263, C>A. VCF-style: chr5-112767263-C-A. GRCh37 (hg19) VCF-style: chr5-112102960-C-A.
Other names: c.295C>A, p.Arg99= (NM_001127510.3, NM_001354895.2, NM_001354896.2 and 2 more transcripts); c.325C>A, p.Arg109= (NM_001127511.3, NM_001354897.2, NM_001354902.2); c.220C>A, p.Arg74= (NM_001354898.2, NM_001354904.2); c.118C>A, p.Arg40= (NM_001354900.2, NM_001354901.2, NM_001354905.2); c.-741C>A (NM_001354906.2).
Identifiers: ClinVar variation 469782 (VCV000469782.15), dbSNP rs139196838, ClinGen allele CA445753285.